The following is an entry in ClinVar:

NM_001367624.2(ZNF469):c.584A>G (p.Asn195Ser)

Gene: ZNF469 (zinc finger protein 469; plus strand). Cytogenetic location: 16q24.2.
Variant type: single nucleotide variant.
Coding change: c.584A>G on transcript NM_001367624.2 (MANE Select); coding-DNA position 584, A replaced by G.
Protein change: p.Asn195Ser; replaces asparagine 195 with serine.
Molecular consequence: missense variant.
Genome position (GRCh38, 1-based): chr16:88,428,054, A>G. VCF-style: chr16-88428054-A-G. GRCh37 (hg19) VCF-style: chr16-88494462-A-G.
Other names: NM_001127464.1:c.584A>G; short protein forms N195S.
Identifiers: ClinVar variation 3476191 (VCV003476191.1).

ClinVar aggregate classification (germline): Uncertain significance (1 of 4 stars; one submission).

Conditions:
Cardiovascular phenotype. Identifiers: MedGen CN230736.

gnomAD v4.1: 5 of 1,549,014 alleles (0.00032%); highest among the groups gnomAD compares: East Asian, 0.0074%; no homozygotes.

Submission:

Ambry Genetics
Classification: Uncertain significance for Cardiovascular phenotype. Last evaluated: 2024-08-23. Review status: criteria provided, single submitter. Criteria: Ambry Variant Classification Scheme 2023. Collection method: clinical testing. Allele origin: germline.
Comment: The p.N195S variant (also known as c.584A>G), located in coding exon 1 of the ZNF469 gene, results from an A to G substitution at nucleotide position 584. The asparagine at codon 195 is replaced by serine, an amino acid with highly similar properties. This amino acid position is conserved. In addition, this alteration is predicted to be tolerated by in silico analysis. Based on the available evidence, the clinical significance of this variant remains unclear.